The following is an entry in ClinVar:

ClinVar aggregate classification (germline): Uncertain significance (1 of 4 stars; one submission).

Conditions:
Inborn genetic diseases. Identifiers: MedGen C0950123, MeSH D030342.

Submission:

Ambry Genetics
Classification: Uncertain significance for Inborn genetic diseases. Last evaluated: 2025-05-16. Review status: criteria provided, single submitter. Criteria: Ambry Variant Classification Scheme 2023. Collection method: clinical testing. Allele origin: germline.
Comment: The p.E1542G variant (also known as c.4625A>G), located in coding exon 1 of the SAMD9L gene, results from an A to G substitution at nucleotide position 4625. The glutamic acid at codon 1542 is replaced by glycine, an amino acid with similar properties. This amino acid position is conserved. In addition, this alteration is predicted to be tolerated by in silico analysis. Based on the available evidence, the clinical significance of this variant remains unclear.

NM_152703.5(SAMD9L):c.4625A>G (p.Glu1542Gly)

Gene: SAMD9L (sterile alpha motif domain containing 9 like; minus strand). Cytogenetic location: 7q21.2.
Variant type: single nucleotide variant.
Coding change: c.4625A>G on transcript NM_152703.5 (MANE Select); coding-DNA position 4625, A replaced by G.
Protein change: p.Glu1542Gly; replaces glutamic acid 1542 with glycine.
Molecular consequence: missense variant.
Genome position (GRCh38, 1-based): chr7:93,131,347, T>C on the plus strand (A>G on the coding strand, the complement: SAMD9L is on the minus strand). VCF-style: chr7-93131347-T-C. GRCh37 (hg19) VCF-style: chr7-92760660-T-C.
Other names: c.4625A>G, p.Glu1542Gly (NM_001303496.3, NM_001303497.3, NM_001303498.3 and 5 more transcripts); short protein forms E1542G.
Identifiers: ClinVar variation 3949920 (VCV003949920.1).